The following is an entry in ClinVar:

ClinVar aggregate classification (germline): Uncertain significance (1 of 4 stars; one submission).

Submission:

Labcorp Genetics (formerly Invitae), Labcorp
Classification: Uncertain significance. Last evaluated: 2024-01-25. Review status: criteria provided, single submitter. Criteria: Invitae Variant Classification Sherloc (09022015). Collection method: clinical testing. Allele origin: germline.
Comment: This sequence change replaces glycine, which is neutral and non-polar, with aspartic acid, which is acidic and polar, at codon 248 of the UQCRC2 protein (p.Gly248Asp). This variant is not present in population databases (gnomAD no frequency). This variant has not been reported in the literature in individuals affected with UQCRC2-related conditions. Advanced modeling of protein sequence and biophysical properties (such as structural, functional, and spatial information, amino acid conservation, physicochemical variation, residue mobility, and thermodynamic stability) performed at Invitae indicates that this missense variant is not expected to disrupt UQCRC2 protein function with a negative predictive value of 80%. In summary, the available evidence is currently insufficient to determine the role of this variant in disease. Therefore, it has been classified as a Variant of Uncertain Significance.

NM_003366.4(UQCRC2):c.743G>A (p.Gly248Asp)

Genes: PDZD9 (PDZ domain containing 9), UQCRC2 (ubiquinol-cytochrome c reductase core protein 2). Cytogenetic location: 16p12.2.
Variant type: single nucleotide variant.
Coding change: c.743G>A on transcript NM_003366.4 (MANE Select); coding-DNA position 743, G replaced by A.
Protein change: p.Gly248Asp; replaces glycine 248 with aspartic acid.
Molecular consequence: missense variant.
Genome position (GRCh38, 1-based): chr16:21,971,597, G>A. VCF-style: chr16-21971597-G-A. GRCh37 (hg19) VCF-style: chr16-21982918-G-A.
Other names: short protein forms G248D.
Identifiers: ClinVar variation 3673205 (VCV003673205.2).
Genomic context (GRCh38, chr16:21,971,597, plus strand): 5'-CTGTTCTAAAGCAAGTTGCTGAACAGTTTCTCAACATGAGGGGTGGGCTTGGTTTATCTG[G>A]TGCAAAGGCCAACTACCGTGGAGGTAAGCATTTCATTCTATTAGGGTTAATTTATCAGAA-3'
Protein context (NP_003357.2, residues 238-258): LNMRGGLGLS[Gly248Asp]AKANYRGGEI